The following is an entry in ClinVar:

NM_144991.3(TSPEAR):c.704C>G (p.Ala235Gly)

Gene: TSPEAR (thrombospondin type laminin G domain and EAR repeats; minus strand). Cytogenetic location: 21q22.3.
Variant type: single nucleotide variant.
Coding change: c.704C>G on transcript NM_144991.3 (MANE Select); coding-DNA position 704, C replaced by G.
Protein change: p.Ala235Gly; replaces alanine 235 with glycine.
Molecular consequence: missense variant.
Genome position (GRCh38, 1-based): chr21:44,529,884, G>C on the plus strand (C>G on the coding strand, the complement: TSPEAR is on the minus strand). VCF-style: chr21-44529884-G-C. GRCh37 (hg19) VCF-style: chr21-45949767-G-C.
Other names: c.500C>G, p.Ala167Gly (NM_001272037.2); short protein forms A167G, A235G.
Identifiers: ClinVar variation 1479911 (VCV001479911.8), dbSNP rs782642252, ClinGen allele CA410445347.
Genomic context (GRCh38, chr21:44,529,884, plus strand): 5'-TCTTCTGGCTTCCCCGTGAGAGCCTGCAGGACCCGTGGGATGGACAGCACCGCCAGCGGG[G>C]CGTTCCTGCTGGGACACAGCCTTGGGGTGGCGTCTGAGCCCGGCAGCAGGACCAGTTGCC-3'
Protein context (NP_659428.2, residues 225-245): ATPRLCPSRN[Ala235Gly]PLAVLSIPRV

ClinVar aggregate classification (germline): Uncertain significance (1 of 4 stars; one submission).

gnomAD v4.1: 1 of 1,613,452 alleles (0.000062%); highest among the groups gnomAD compares: Non-Finnish European, 0.000085%; no homozygotes.

Submission:

Labcorp Genetics (formerly Invitae), Labcorp
Classification: Uncertain significance. Last evaluated: 2021-02-13. Review status: criteria provided, single submitter. Criteria: Invitae Variant Classification Sherloc (09022015). Collection method: clinical testing. Allele origin: germline.
Comment: In summary, the available evidence is currently insufficient to determine the role of this variant in disease. Therefore, it has been classified as a Variant of Uncertain Significance. Algorithms developed to predict the effect of missense changes on protein structure and function (SIFT, PolyPhen-2, Align-GVGD) all suggest that this variant is likely to be tolerated, but these predictions have not been confirmed by published functional studies and their clinical significance is uncertain. This variant has not been reported in the literature in individuals with TSPEAR-related conditions. This variant is not present in population databases (ExAC no frequency). This sequence change replaces alanine with glycine at codon 235 of the TSPEAR protein (p.Ala235Gly). The alanine residue is moderately conserved and there is a small physicochemical difference between alanine and glycine.